The following is an entry in ClinVar:

NM_004984.4(KIF5A):c.3020+1G>C

Gene: KIF5A (kinesin family member 5A; plus strand). Cytogenetic location: 12q13.3.
Variant type: single nucleotide variant.
Coding change: c.3020+1G>C on transcript NM_004984.4 (MANE Select); the canonical splice donor site of the intron after coding-DNA position 3020, G replaced by C.
Molecular consequence: splice donor variant.
Genome position (GRCh38, 1-based): chr12:57,582,630, G>C. VCF-style: chr12-57582630-G-C. GRCh37 (hg19) VCF-style: chr12-57976413-G-C.
Other names: c.2753+1G>C (NM_001354705.2).
Identifiers: ClinVar variation 1458651 (VCV001458651.7), dbSNP rs1555179091, ClinGen allele CA385517124.
Genomic context (GRCh38, chr12:57,582,630, plus strand): 5'-TAATCCTGTGTTCTCAATGATGATCTCTTCAGGAAATGCCACAGATATCAATGACAATAG[G>C]TACAACAGTCCCCACTACCCCTGGGTTCTCTGGGTGGGACCAGAAGAAATGATTAAATTT-3'

ClinVar aggregate classification (germline): Pathogenic. Review status: criteria provided, multiple submitters, no conflicts (2 of 4 stars). 2 submissions from 2 submitters: Pathogenic (2). Last evaluated 2024-07-01.

Conditions:
Spastic paraplegia. Identifiers: MedGen C0037772, HP:0001258.
Amyotrophic lateral sclerosis, susceptibility to, 25. Identifiers: MedGen C4693609, MONDO:0060670, OMIM 617921.

Submissions (2):

Labcorp Genetics (formerly Invitae), Labcorp
Classification: Pathogenic for Spastic paraplegia. Last evaluated: 2024-07-01. Review status: criteria provided, single submitter. Criteria: Invitae Variant Classification Sherloc (09022015). Collection method: clinical testing. Allele origin: germline.
Comment: This sequence change falls in intron 27 of the KIF5A gene. It does not directly change the encoded amino acid sequence of the KIF5A protein. RNA analysis indicates that this variant induces altered splicing and likely disrupts the C-terminus of the protein. This variant is not present in population databases (gnomAD no frequency). This variant has been observed in individuals with amyotrophic lateral sclerosis (PMID: 29342275, 29566793; Invitae). It has also been observed to segregate with disease in related individuals. ClinVar contains an entry for this variant (Variation ID: 1458651). Variants that disrupt the consensus splice site are a relatively common cause of aberrant splicing (PMID: 17576681, 9536098). Studies have shown that this variant results in exon 27 skipping and introduces a new termination codon (PMID: 29566793). However the mRNA is not expected to undergo nonsense-mediated decay. For these reasons, this variant has been classified as Pathogenic.

Human Genetics Bochum, Ruhr University Bochum
Classification: Pathogenic for Amyotrophic lateral sclerosis, susceptibility to, 25. Last evaluated: 2023-05-07. Review status: criteria provided, single submitter. Criteria: ACMG Guidelines, 2015. Collection method: clinical testing. Allele origin: germline. Affected: yes.
Comment: ACMG criteria used to clasify this variant:PVS1, PS3_MOD, PS4_MOD, PM2_SUP, PP1

Literature cited by the submitters: PubMed 29342275 (cited by Labcorp Genetics (formerly Invitae), Labcorp); PubMed 29566793 (cited by Labcorp Genetics (formerly Invitae), Labcorp); PubMed 17576681 (cited by Labcorp Genetics (formerly Invitae), Labcorp); PubMed 9536098 (cited by Labcorp Genetics (formerly Invitae), Labcorp).